The following is an entry in ClinVar:

NM_002386.4(MC1R):c.443A>G (p.Tyr148Cys)

Gene: MC1R (melanocortin 1 receptor; plus strand). Cytogenetic location: 16q24.3.
Variant type: single nucleotide variant.
Coding change: c.443A>G on transcript NM_002386.4 (MANE Select); coding-DNA position 443, A replaced by G.
Protein change: p.Tyr148Cys; replaces tyrosine 148 with cysteine.
Molecular consequence: missense variant.
Genome position (GRCh38, 1-based): chr16:89,919,701, A>G. VCF-style: chr16-89919701-A-G. GRCh37 (hg19) VCF-style: chr16-89986109-A-G.
Other names: short protein forms Y148C.
Identifiers: ClinVar variation 4550320 (VCV004550320.1).

ClinVar aggregate classification (germline): Uncertain significance (1 of 4 stars; one submission).

Submission:

Ambry Genetics
Classification: Uncertain significance. Last evaluated: 2025-12-07. Review status: criteria provided, single submitter. Criteria: Ambry Variant Classification Scheme 2023. Collection method: clinical testing. Allele origin: germline.
Comment: The p.Y148C variant (also known as c.443A>G), located in coding exon 1 of the MC1R gene, results from an A to G substitution at nucleotide position 443. The tyrosine at codon 148 is replaced by cysteine, an amino acid with highly dissimilar properties. This amino acid position is conserved. In addition, this alteration is predicted to be deleterious by in silico analysis. Based on the available evidence, the clinical significance of this variant remains unclear.